The following is an entry in ClinVar:

ClinVar aggregate classification (germline): Uncertain significance (1 of 4 stars; one submission).

Conditions:
Adenylosuccinate lyase deficiency (ADSLD). Also called: ADSL DEFICIENCY. Identifiers: Orphanet 46, MedGen C0268126, MONDO:0007068, OMIM 103050.

Submission:

Labcorp Genetics (formerly Invitae), Labcorp
Classification: Uncertain significance for Adenylosuccinate lyase deficiency. Last evaluated: 2022-02-03. Review status: criteria provided, single submitter. Criteria: Invitae Variant Classification Sherloc (09022015). Collection method: clinical testing. Allele origin: germline.
Comment: This variant occurs in a non-coding region of the ADSL gene. It does not change the encoded amino acid sequence of the ADSL protein. This variant is present in population databases (no rsID available, gnomAD 0.01%). This variant has not been reported in the literature in individuals affected with ADSL-related conditions. Experimental studies and prediction algorithms are not available or were not evaluated, and the functional significance of this variant is currently unknown. In summary, the available evidence is currently insufficient to determine the role of this variant in disease. Therefore, it has been classified as a Variant of Uncertain Significance.

NC_000022.11:g.40346374C>G

Gene: ADSL (adenylosuccinate lyase; plus strand). Cytogenetic location: 22q13.1.
Variant type: single nucleotide variant.
Genome position: GRCh38 VCF-style: chr22-40346374-C-G. GRCh37 (hg19) VCF-style: chr22-40742378-C-G.
Identifiers: ClinVar variation 1510087 (VCV001510087.3), dbSNP rs1024378498, ClinGen allele CA324446827.